The following is an entry in ClinVar:

ClinVar aggregate classification (germline): Pathogenic. Review status: criteria provided, multiple submitters, no conflicts (2 of 4 stars). 33 submissions from 29 submitters: Pathogenic (26). 7 of the submissions do not count toward it. Last evaluated 2026-02-01.

Conditions:
G6PD-related disorders.
G6PD-related disorder. Also called: G6PD-related condition.
Inborn genetic diseases. Identifiers: MedGen C0950123, MeSH D030342.
Malaria, susceptibility to. Identifiers: Orphanet 673, MedGen C1970028, MONDO:0021024, OMIM 611162.
Anemia, nonspherocytic hemolytic, due to G6PD deficiency (CNSHA1). Also called: Hemolytic anemia due to G6PD deficiency; ANEMIA, CONGENITAL, NONSPHEROCYTIC HEMOLYTIC, 1; Class I glucose-6-phosphate dehydrogenase deficiency; Favism, susceptibility to. Identifiers: Orphanet 466026, MedGen C2720289, MONDO:0010480, OMIM 300908.
Type 2 diabetes mellitus. Also called: Type II diabetes mellitus. Identifiers: MedGen C0011860, MeSH D003924, MONDO:0005148, OMIM 125853, HP:0005978.
G6PD ANANT.
G6PD DHON.
G6PD PETRICH-LIKE.
G6PD SAPPORO-LIKE.
G6PD KAIPING.
G6PD deficiency. Also called: G6PD A-. Identifiers: MedGen C2939465, MONDO:0005775.

Allele frequency attached by ClinVar (database versions not stated): gnomAD exomes 0.00011 and 0.00055; TOPMed 0.00013; gnomAD 0.00017 and 0.00012; 1000 Genomes Project 0.00132; 1000 Genomes Project 30x 0.00125; ExAC 0.00045.

Submissions 1 to 9 of 33:

CeGaT Center for Human Genetics Tuebingen
Classification: Pathogenic. Last evaluated: 2026-02-01. Review status: criteria provided, single submitter. Criteria: CeGaT Center For Human Genetics Tuebingen Variant Classification Criteria Version 2. Collection method: clinical testing. Allele origin: germline. Affected: yes. Observed: 4 variant alleles.
Comment: G6PD: PS4, PM1, PP1:Moderate, PS3:Moderate

Department of Otolaryngology Head and Neck Surgery, Hainan Hospital of the Chinese People’s Liberation Army General Hospital
Classification: Pathogenic for Anemia, nonspherocytic hemolytic, due to G6PD deficiency. Last evaluated: 2026-02-01. Review status: criteria provided, single submitter. Criteria: ACMG Guidelines, 2015. Collection method: clinical testing. Allele origin: germline. Affected: yes.
Comment: This variant is a single nucleotide substitution in the G6PD gene (NM_001042351.2:c.1388G>A, p.Arg463His), commonly known as the G6PD Kaiping mutation. This missense change results in an arginine-to-histidine substitution at codon 463 of the glucose-6-phosphate dehydrogenase enzyme. G6PD Kaiping is one of the most prevalent G6PD deficiency mutations in Asian populations, particularly in China, where it is consistently reported as one of the top two most common variants alongside G6PD Canton (c.1376G>T). Population-based studies have shown that c.1388G>A accounts for a substantial proportion of G6PD-deficient individuals, with frequencies ranging from 14.3% to 50% across different Chinese populations. This variant is classified as a Class II mutation, associated with a severe decrease in enzyme activity. Individuals hemizygous for this mutation typically present with clinical manifestations including neonatal jaundice and acute hemolytic anemia, often triggered by oxidative stress from drugs, infections, or fava beans consumption. The classification of this variant as pathogenic is based on its well-established role in reducing G6PD enzyme activity and its clinical significance in causing G6PD deficiency, leading to the characteristic hematological features of this X-linked disorder

Medical and Scientific Branch, Hong Kong Genome Institute
Classification: Pathogenic for Anemia, nonspherocytic hemolytic, due to G6PD deficiency. Last evaluated: 2026-01-26. Review status: criteria provided, single submitter. Criteria: ACMG Guidelines, 2015. Collection method: clinical testing. Allele origin: maternal. Affected: yes.

PreventionGenetics, part of Exact Sciences
Classification: Pathogenic for G6PD-related condition. Last evaluated: 2026-01-16. Review status: criteria provided, single submitter. Criteria: ACMG Guidelines, 2015. Collection method: clinical testing. Allele origin: germline.
Comment: The G6PD c.1388G>A variant is predicted to result in the amino acid substitution p.Arg463His. This variant, also referred to as G6PD Kaiping is a common cause of glucose-6-phosphate dehydrogenase in Asian populations and has previously been reported to be causative for disease (Zhong et al. 2018. PubMed ID: 30315739; Wu et al. 2019. PubMed ID: 31793705). This variant is reported in 0.70% of alleles in individuals of East Asian descent in gnomAD. This variant is interpreted as pathogenic.

Variantyx, Inc.
Classification: Pathogenic for Anemia, nonspherocytic hemolytic, due to G6PD deficiency. Last evaluated: 2026-01-07. Review status: criteria provided, single submitter. Criteria: Variantyx Assertion Criteria 2022. Collection method: clinical testing. Allele origin: maternal. Inheritance: X-linked inheritance.
Comment: This is a nonsynonymous variant in the G6PD gene (OMIM: 305900). Pathogenic variants in this gene have been associated with X-linked hemolytic anemia due to G6PD deficiency (favism). This variant has been reported in many unrelated affected individuals (PMID: 12215013, 28376293) (PS4_Very_Strong) and has a 0.3763% maximum allele frequency in non-founder control populations. This variant lies within a known hotspot for pathogenic variants (PM1) and multiple computational algorithms predict a deleterious effect (REVEL score: 0.869) (PP3).Based on the current evidence, this variant is classified as pathogenic for X-linked hemolytic anemia due to G6PD deficiency (favism).

Labcorp Genetics (formerly Invitae), Labcorp
Classification: Pathogenic for Anemia, nonspherocytic hemolytic, due to G6PD deficiency. Last evaluated: 2025-12-31. Review status: criteria provided, single submitter. Criteria: Invitae Variant Classification Sherloc (09022015). Collection method: clinical testing. Allele origin: germline.
Comment: This sequence change replaces arginine, which is basic and polar, with histidine, which is basic and polar, at codon 463 of the G6PD protein (p.Arg463His). This variant is present in population databases (rs72554664, gnomAD 0.7%), and has an allele count higher than expected for a pathogenic variant. This variant has been described as a common cause of glucose-6-phosphate dehydrogenase deficiency in southeast Asia, although it has also been reported in affected individuals from other populations (PMID: 9589612, 30315739, 17726510, 21446359, 15906717, 15223006, 20236109). This variant is also known as Kaiping. ClinVar contains an entry for this variant (Variation ID: 100059). Invitae Evidence Modeling of protein sequence and biophysical properties (such as structural, functional, and spatial information, amino acid conservation, physicochemical variation, residue mobility, and thermodynamic stability) indicates that this missense variant is expected to disrupt G6PD protein function with a positive predictive value of 95%. For these reasons, this variant has been classified as Pathogenic.

3billion
Classification: Pathogenic for Anemia, nonspherocytic hemolytic, due to G6PD deficiency. Last evaluated: 2025-12-23. Review status: criteria provided, single submitter. Criteria: ACMG Guidelines, 2015. Collection method: clinical testing. Allele origin: germline. Affected: yes.
Comment: The variant is observed in the gnomAD v4.1.0 dataset (total allele frequency: 0.012%). Predicted Consequence/Location: The variant is located in a mutational hot spot and/or well-established functional domain in which established pathogenic variants have been reported. Missense variant. Missense changes are a common disease-causing mechanism. In silico tool predictions suggest damaging effect of the variant on gene or gene product [REVEL: 0.87 (>=0.6, sensitivity 0.68 and specificity 0.92); 3Cnet: 0.98 (> 0.75, sensitivity 0.96 and precision 0.92)]. The same nucleotide change resulting in the same amino acid change has been previously reported as pathogenic/likely pathogenic with strong evidence (ClinVar ID: VCV000100059 /PMID: 1953767). Different missense changes at the same codon (p.Arg463Cys, p.Arg463Leu, p.Arg463Ser) have been reported as pathogenic/likely pathogenic with strong evidence (ClinVar ID: VCV001722637, VCV001722638, VCV002504081 /PMID: 12064920, 9192788). Therefore, this variant is classified as Pathogenic according to the recommendation of ACMG/AMP guideline.

Women's Health and Genetics/Laboratory Corporation of America, LabCorp
Classification: Pathogenic for Anemia, nonspherocytic hemolytic, due to G6PD deficiency. Last evaluated: 2025-11-28. Review status: criteria provided, single submitter. Criteria: LabCorp Variant Classification Summary - May 2015. Collection method: clinical testing. Allele origin: germline.
Comment: Variant summary: G6PD c.1478G>A (p.Arg493His), also known as c.1388G>A (p.Arg463His) and G6PD Kaiping, results in a non-conservative amino acid change in the encoded protein sequence. Algorithms developed to predict the effect of missense changes on protein structure and function all suggest that this variant is likely to be disruptive. The variant allele was found at a frequency of 0.00055 in 182202 control chromosomes, predominantly at a frequency of 0.0072 within the East Asian subpopulation in the gnomAD database, including 32 hemizygotes and 1 homozygote. The observed variant frequency within East Asian control individuals in the gnomAD database exceeds the estimated maximal expected allele frequency for disease-causing variants in G6PD. However, c.1478G>A has been observed in multiple individuals affected with G6PD deficiency, has been found to segregate with the phenotype in affected family members, and has been reported as a common founder variant in the Chinese population (e.g. Chiu_1991, Jiang_2006, Au_2008). These data indicate that the variant is likely to be associated with disease. A different variant affecting the same codon has been classified as likely pathogenic by our lab (c.1477C>A, p.Arg493Ser), supporting the critical relevance of codon 493 to G6PD protein function. At least one publication reports experimental evidence evaluating an impact of c.1478G>A on protein function and found the variant effect resulted in approximately 40%-50% of normal activity (Jiang_2006). The following publications have been ascertained in the context of this evaluation (PMID: 19076170, 1953767, 16607506). ClinVar contains an entry for this variant (Variation ID: 100059). Based on the evidence outlined above, the variant was classified as pathogenic.

Genesolutions, Medical Genetics Institutes, Ho Chi Minh City, Vietnam
Classification: Pathogenic for Anemia, nonspherocytic hemolytic, due to G6PD deficiency. Last evaluated: 2025-09-24. Review status: criteria provided, single submitter. Criteria: ACMG Guidelines, 2015. Collection method: clinical testing. Allele origin: germline. Affected: yes.

NM_000402.4(G6PD):c.1478G>A (p.Arg493His)

Gene: G6PD (glucose-6-phosphate dehydrogenase; minus strand). Cytogenetic location: Xq28.
Variant type: single nucleotide variant.
Coding change: c.1478G>A on transcript NM_000402.4; coding-DNA position 1478, G replaced by A.
Protein change: p.Arg493His; replaces arginine 493 with histidine.
Molecular consequence: missense variant.
Genome position (GRCh38, 1-based): chrX:154,532,257, C>T on the plus strand (G>A on the coding strand, the complement: G6PD is on the minus strand). VCF-style: chrX-154532257-C-T. GRCh37 (hg19) VCF-style: chrX-153760472-C-T.
Other names: G6PD, ARG463HIS; G6PD Anant; G6PD Dhon; G6PD Kaiping; G6PD Petrich-like; G6PD Sapporo-like; G6PD Wosera; c.1388G>A (NM_001360016.1); and 1 more; short protein forms R463H, R493H.
Identifiers: ClinVar variation 100059 (VCV000100059.91), dbSNP rs72554664, ClinGen allele CA120994.